The following is an entry in ClinVar:

NM_001267550.2(TTN):c.89220_89221insT (p.Ile29741fs)

Genes: TTN-AS1 (TTN antisense RNA 1; plus strand), TTN (titin; minus strand). Cytogenetic location: 2q31.2.
Variant type: Insertion.
Coding change: c.89220_89221insT on transcript NM_001267550.2 (MANE Select); coding-DNA positions 89220 to 89221, T inserted.
Protein change: p.Ile29741fs; shifts the reading frame from isoleucine 29741.
Molecular consequence: frameshift variant.
Genome position: GRCh38 VCF-style: chr2-178553784-T-TA. GRCh37 (hg19) VCF-style: chr2-179418511-T-TA.
Other names: c.84297_84298insT, p.Ile28100fs (NM_001256850.1); c.62025_62026insT, p.Ile20676fs (NM_003319.4); c.81516_81517insT, p.Ile27173fs (NM_133378.4); c.62400_62401insT, p.Ile20801fs (NM_133432.3); c.62601_62602insT, p.Ile20868fs (NM_133437.4); c.89220_89221insT (NM_001267550.1); short protein forms I27173fs, I29741fs, I20868fs, I20676fs, I28100fs, I20801fs.
Identifiers: ClinVar variation 420426 (VCV000420426.19), dbSNP rs1064794472, ClinGen allele CA16617338.

ClinVar aggregate classification (germline): Pathogenic/Likely pathogenic. Review status: criteria provided, multiple submitters, no conflicts (2 of 4 stars). 4 submissions from 4 submitters: Pathogenic (2); Likely pathogenic (1). 1 of the submissions does not count toward it. Last evaluated 2025-09-12.

Conditions:
TTN-related disorder. Also called: TTN-related condition; TTN-related disease; TTN-related disorders.
Dilated cardiomyopathy 1G (CMD1G). Identifiers: Orphanet 154, MedGen C1858763, MONDO:0011400, OMIM 604145.
Autosomal recessive limb-girdle muscular dystrophy type 2J (LGMDR10). Also called: Limb-girdle muscular dystrophy, type 2J; MUSCULAR DYSTROPHY, LIMB-GIRDLE, AUTOSOMAL RECESSIVE 10. Identifiers: Orphanet 140922, MedGen C1837342, MONDO:0012127, OMIM 608807.
Cardiovascular phenotype. Identifiers: MedGen CN230736.

Allele frequency attached by ClinVar (database versions not stated): TOPMed below 0.00001; gnomAD 0.00001.

Submissions (4):

Labcorp Genetics (formerly Invitae), Labcorp
Classification: Pathogenic for Dilated cardiomyopathy 1G; Autosomal recessive limb-girdle muscular dystrophy type 2J. Last evaluated: 2025-09-12. Review status: criteria provided, single submitter. Criteria: Invitae Variant Classification Sherloc (09022015). Collection method: clinical testing. Allele origin: germline.
Comment: This sequence change creates a premature translational stop signal (p.Ile29741Tyrfs*17) in the TTN gene. While this is not anticipated to result in nonsense mediated decay, it is expected to create a truncated TTN protein. This variant is not present in population databases (gnomAD no frequency). This premature translational stop signal has been observed in individuals with dilated cardiomyopathy (internal data). ClinVar contains an entry for this variant (Variation ID: 420426). This variant is located in the A band of TTN (PMID: 25589632). Truncating variants in this region are significantly overrepresented in patients affected with dilated cardiomyopathy (PMID: 25589632). Truncating variants in this region have also been reported in individuals affected with autosomal recessive centronuclear myopathy (PMID: 23975875). For these reasons, this variant has been classified as Pathogenic.

Ambry Genetics
Classification: Likely pathogenic for Cardiovascular phenotype. Last evaluated: 2025-05-25. Review status: criteria provided, single submitter. Criteria: Ambry Variant Classification Scheme 2023. Collection method: clinical testing. Allele origin: germline.
Comment: The c.62025_62026insT variant, located in coding exon 161 of the TTN gene, results from an insertion of one nucleotide at position 62025, causing a translational frameshift with a predicted alternate stop codon (p.I20676Yfs*17). This exon is located in the A-band region of the N2-B isoform of the titin protein and is constitutively expressed in TTN transcripts (percent spliced in or PSI 100%). This variant is considered to be rare based on population cohorts in the Genome Aggregation Database (gnomAD). This variant is expected to result in loss of function by premature protein truncation or nonsense-mediated mRNA decay. While truncating variants in TTN are present in 1-3% of the general population, truncating variants in the A-band are the most common cause of dilated cardiomyopathy (Herman DS et al. N. Engl. J. Med., 2012 Feb;366:619-28; Roberts AM et al. Sci Transl Med, 2015 Jan;7:270ra6). TTN truncating variants encoded in constitutive exons (PSI >90%) have been found to be significantly associated with DCM regardless of their position in titin (Schafer S et al. Nat. Genet., 2017 01;49:46-53; Akhtar MM et al. Circ Heart Fail, 2020 Oct;13:e006832; Massier M et al. Clin Genet, 2025 Jan). As such, this alteration is classified as likely pathogenic.

GeneDx
Classification: Pathogenic. Last evaluated: 2025-04-18. Review status: criteria provided, single submitter. Criteria: GeneDx Variant Classification Process June 2021. Collection method: clinical testing. Allele origin: germline. Affected: yes.
Comment: Frameshift variant predicted to result in protein truncation or nonsense mediated decay in a gene for which loss of function is a known mechanism of disease; Not observed at significant frequency in large population cohorts (gnomAD); Has not been previously published as pathogenic or benign to our knowledge; This variant is associated with the following publications: (PMID: 22335739, 32778822)

PreventionGenetics, part of Exact Sciences
Classification: Likely pathogenic for TTN-related condition. Last evaluated: 2024-06-26. Review status: no assertion criteria provided. Collection method: clinical testing. Allele origin: germline. Not counted in ClinVar's aggregate classification.
Comment: The TTN c.89220_89221insT variant is predicted to result in a frameshift and premature protein termination (p.Ile29741Tyrfs*17). To our knowledge, this variant has not been reported in the literature or in a large population database, indicating this variant is rare. This variant is located in the A-band region of the protein in which truncating TTN variants have been found more frequently in dilated cardiomyopathy patients than in controls (Herman et al. 2012. PubMed ID: 22335739). RNAseq studies from heart tissue indicate this exon is commonly included in TTN mRNA transcripts (PSI of 97%-100%); however, this analysis in muscle tissue was not performed (Roberts et al. 2015. PMID: 25589632). TTN truncating variants are reported in 1-2% of presumably healthy individuals and occur more frequently in exons with low PSI values, indicating this variant is more likely to be disease causing (Herman et al. 2012. PMID: 22335739; Roberts et al. 2015. PMID: 25589632). In summary, this variant is interpreted as likely pathogenic for both autosomal dominant and autosomal recessive TTN-related disorders.

Literature cited by the submitters: PubMed 25589632 (cited by Labcorp Genetics (formerly Invitae), Labcorp); PubMed 23975875 (cited by Labcorp Genetics (formerly Invitae), Labcorp).